The following is an entry in ClinVar:

NM_000384.3(APOB):c.11282G>T (p.Cys3761Phe)

Gene: APOB (apolipoprotein B; minus strand). Cytogenetic location: 2p24.1.
Variant type: single nucleotide variant.
Coding change: c.11282G>T on transcript NM_000384.3 (MANE Select); coding-DNA position 11282, G replaced by T.
Protein change: p.Cys3761Phe; replaces cysteine 3761 with phenylalanine.
Molecular consequence: missense variant.
Genome position (GRCh38, 1-based): chr2:21,005,586, C>A on the plus strand (G>T on the coding strand, the complement: APOB is on the minus strand). VCF-style: chr2-21005586-C-A. GRCh37 (hg19) VCF-style: chr2-21228458-C-A.
Other names: short protein forms C3761F.
Identifiers: ClinVar variation 5026683 (VCV005026683.1).
Genomic context (GRCh38, chr2:21,005,586, plus strand): 5'-AGGGCAAATGATGAAGTTCTCAGCTTCTTATAGATTTGTATTTCTCTGAAGTCAAGTTTG[C>A]ACGATGGAACCTGAAGATCTGTAAATGGGACATGGAACGTAGGCATGACAAGAACTGAAT-3'
Protein context (NP_000375.3, residues 3751-3771): VPFTDLQVPS[Cys3761Phe]KLDFREIQIY

ClinVar aggregate classification (germline): Uncertain significance (1 of 4 stars; one submission).

Conditions:
Cardiovascular phenotype. Identifiers: MedGen CN230736.

Submission:

Ambry Genetics
Classification: Uncertain significance for Cardiovascular phenotype. Last evaluated: 2026-07-02. Review status: criteria provided, single submitter. Criteria: Ambry Variant Classification Scheme 2023. Collection method: clinical testing. Allele origin: germline.
Comment: The p.C3761F variant (also known as c.11282G>T), located in coding exon 26 of the APOB gene, results from a G to T substitution at nucleotide position 11282. The cysteine at codon 3761 is replaced by phenylalanine, an amino acid with highly dissimilar properties. This amino acid position is conserved. In addition, this alteration is predicted to be tolerated by in silico analysis. Based on the available evidence, the clinical significance of this variant remains unclear.